The following is an entry in ClinVar:

NM_005996.4(TBX3):c.1330_1332del (p.Pro444del)

Gene: TBX3 (T-box transcription factor 3; minus strand). Cytogenetic location: 12q24.21.
Variant type: Deletion.
Coding change: c.1330_1332del on transcript NM_005996.4 (MANE Select); coding-DNA positions 1330 to 1332, 3 bases deleted (CCG; older notation c.1330_1332delCCG).
Protein change: p.Pro444del; deletes proline 444.
Molecular consequence: inframe deletion.
Genome position (GRCh38, 1-based): chr12:114,674,543-114,674,545, CGG deleted on the plus strand (CCG on the coding strand, the reverse complement: TBX3 is on the minus strand); deleting any 3 consecutive bases within chr12:114,674,543-114,674,547 gives the same sequence; the c. name uses the placement nearest the transcript's 3' end. VCF-style (leftmost placement, unchanged base first): chr12-114674542-CCGG-C. GRCh37 (hg19) VCF-style: chr12-115112347-CCGG-C.
Other names: c.1390_1392del, p.Pro464del (NM_016569.4); short protein forms P444del, P464del.
Identifiers: ClinVar variation 2915180 (VCV002915180.3), dbSNP rs1868613226, ClinGen allele CA2064766267.

ClinVar aggregate classification (germline): Uncertain significance (1 of 4 stars; one submission).

Conditions:
Ulnar-mammary syndrome (UMS). Also called: Ulnar-mammary syndrome of Pallister; PALLISTER ULNAR-MAMMARY SYNDROME; SCHINZEL SYNDROME. Identifiers: Orphanet 3138, MedGen C1866994, MONDO:0008411, OMIM 181450.

Submission:

Labcorp Genetics (formerly Invitae), Labcorp
Classification: Uncertain significance for Ulnar-mammary syndrome. Last evaluated: 2024-12-17. Review status: criteria provided, single submitter. Criteria: Invitae Variant Classification Sherloc (09022015). Collection method: clinical testing. Allele origin: germline.
Comment: This variant, c.1330_1332del, results in the deletion of 1 amino acid(s) of the TBX3 protein (p.Pro444del), but otherwise preserves the integrity of the reading frame. This variant is not present in population databases (gnomAD no frequency). This variant has not been reported in the literature in individuals affected with TBX3-related conditions. ClinVar contains an entry for this variant (Variation ID: 2915180). Experimental studies and prediction algorithms are not available or were not evaluated, and the functional significance of this variant is currently unknown. In summary, the available evidence is currently insufficient to determine the role of this variant in disease. Therefore, it has been classified as a Variant of Uncertain Significance.